The following is an entry in ClinVar:

NM_007294.4(BRCA1):c.3025T>G (p.Ser1009Ala)

Gene: BRCA1 (BRCA1 DNA repair associated; minus strand). Cytogenetic location: 17q21.31.
Variant type: single nucleotide variant.
Coding change: c.3025T>G on transcript NM_007294.4 (MANE Select); coding-DNA position 3025, T replaced by G.
Protein change: p.Ser1009Ala; replaces serine 1009 with alanine.
Molecular consequence: missense variant. On other transcripts: intron variant (137).
Genome position (GRCh38, 1-based): chr17:43,092,506, A>C on the plus strand (T>G on the coding strand, the complement: BRCA1 is on the minus strand). VCF-style: chr17-43092506-A-C. GRCh37 (hg19) VCF-style: chr17-41244523-A-C.
Other names: c.644-1474T>G (NM_001408468.1, NM_001408470.1, NM_001408464.1 and 3 more transcripts); c.524-1474T>G (NM_001408501.1, NM_001408497.1, NM_001408500.1 and 3 more transcripts); c.647-1474T>G (NM_001408455.1, NM_001408466.1, NM_001408452.1 and 11 more transcripts); c.578-1474T>G (NM_001408513.1, NM_001408481.1, NM_001408480.1 and 9 more transcripts); c.788-1474T>G (NM_001407973.1, NM_001407980.1, NM_001407993.1 and 17 more transcripts); c.521-1474T>G (NM_001408503.1, NM_001408505.1, NM_001408504.1); c.2902T>G, p.Ser968Ala (NM_001407664.1, NM_001407665.1, NM_001407666.1 and 19 more transcripts); c.2899T>G, p.Ser967Ala (NM_001407670.1, NM_001407671.1, NM_001407672.1 and 11 more transcripts); and 41 more; short protein forms S1008A, S713A, S882A, S898A, S942A, S983A, S1009A, S921A.
Identifiers: ClinVar variation 3992626 (VCV003992626.1).

ClinVar aggregate classification (germline): Uncertain significance (1 of 4 stars; one submission).

Conditions:
Hereditary cancer-predisposing syndrome. Also called: Tumor predisposition; Hereditary neoplastic syndrome; Neoplastic Syndromes, Hereditary; Hereditary Cancer Syndrome. Identifiers: Orphanet 140162, MedGen C0027672, MeSH D009386, MONDO:0015356.

Submission:

Ambry Genetics
Classification: Uncertain significance for Hereditary cancer-predisposing syndrome. Last evaluated: 2025-06-05. Review status: criteria provided, single submitter. Criteria: Ambry Variant Classification Scheme 2023. Collection method: clinical testing. Allele origin: germline.
Comment: The p.S1009A variant (also known as c.3025T>G), located in coding exon 9 of the BRCA1 gene, results from a T to G substitution at nucleotide position 3025. The serine at codon 1009 is replaced by alanine, an amino acid with similar properties. This amino acid position is well conserved in available vertebrate species. In addition, the in silico prediction for this alteration is inconclusive. Based on the available evidence, the clinical significance of this variant remains unclear.